The following is an entry in ClinVar:

ClinVar aggregate classification (germline): Uncertain significance. Review status: criteria provided, multiple submitters, no conflicts (2 of 4 stars). 2 submissions from 2 submitters: Uncertain significance (2). Last evaluated 2024-04-15.

Conditions:
CTDP1-related disorder. Also called: CTDP1-related condition.

Allele frequency attached by ClinVar (database versions not stated): gnomAD 0.00005; TOPMed 0.00005; gnomAD exomes 0.00007; ExAC 0.00009; ESP Exome Variant Server 0.00015.
gnomAD v4.1: 103 of 1,609,764 alleles (0.0064%); highest among the groups gnomAD compares: Non-Finnish European, 0.0082%; no homozygotes.

Submissions (2):

Ambry Genetics
Classification: Uncertain significance. Last evaluated: 2024-04-15. Review status: criteria provided, single submitter. Criteria: Ambry Variant Classification Scheme 2023. Collection method: clinical testing. Allele origin: germline.

PreventionGenetics, part of Exact Sciences
Classification: Uncertain significance for CTDP1-related condition. Last evaluated: 2023-01-26. Review status: criteria provided, single submitter. Criteria: ACMG Guidelines, 2015. Collection method: clinical testing. Allele origin: germline.
Comment: The CTDP1 c.1829G>A variant is predicted to result in the amino acid substitution p.Arg610His. To our knowledge, this variant has not been reported in the literature. This variant is reported in 0.0096% of alleles in individuals of European (Non-Finnish) descent in gnomAD. At this time, the clinical significance of this variant is uncertain due to the absence of conclusive functional and genetic evidence.

NM_004715.5(CTDP1):c.1829G>A (p.Arg610His)

Gene: CTDP1 (CTD phosphatase subunit 1; plus strand). Cytogenetic location: 18q23.
Variant type: single nucleotide variant.
Coding change: c.1829G>A on transcript NM_004715.5 (MANE Select); coding-DNA position 1829, G replaced by A.
Protein change: p.Arg610His; replaces arginine 610 with histidine.
Molecular consequence: missense variant.
Genome position (GRCh38, 1-based): chr18:79,715,289, G>A. VCF-style: chr18-79715289-G-A. GRCh37 (hg19) VCF-style: chr18-77475289-G-A.
Other names: c.1472G>A, p.Arg491His (NM_001202504.1); c.1829G>A, p.Arg610His (NM_001318511.2, NM_048368.4); short protein forms R491H, R610H.
Identifiers: ClinVar variation 2634877 (VCV002634877.2), dbSNP rs372238734, ClinGen allele CA9010389.
Genomic context (GRCh38, chr18:79,715,289, plus strand): 5'-TCATCTACCTGGAGGAGATCCTGGTCCGTGTACACACTGACTACTATGCCAAGTATGACC[G>A]CTACCTCAACAAGGAGATCGAGGAGGCGCCGGACATCCGCAAGATCGTGCCGGAGCTCAA-3'
Protein context (NP_004706.3, residues 600-620): VHTDYYAKYD[Arg610His]YLNKEIEEAP